The following is an entry in ClinVar:

NM_004304.5(ALK):c.230C>T (p.Ser77Phe)

Gene: ALK (ALK receptor tyrosine kinase; minus strand). Cytogenetic location: 2p23.1.
Variant type: single nucleotide variant.
Coding change: c.230C>T on transcript NM_004304.5 (MANE Select); coding-DNA position 230, C replaced by T.
Protein change: p.Ser77Phe; replaces serine 77 with phenylalanine.
Molecular consequence: missense variant.
Genome position (GRCh38, 1-based): chr2:29,920,430, G>A on the plus strand (C>T on the coding strand, the complement: ALK is on the minus strand). VCF-style: chr2-29920430-G-A. GRCh37 (hg19) VCF-style: chr2-30143296-G-A.
Other names: short protein forms S77F.
Identifiers: ClinVar variation 2624792 (VCV002624792.3), dbSNP rs2465867114, ClinGen allele CA346590438.

ClinVar aggregate classification (germline): Uncertain significance (1 of 4 stars; one submission).

Conditions:
Hereditary cancer-predisposing syndrome. Also called: Tumor predisposition; Hereditary Cancer Syndrome; Hereditary neoplastic syndrome; Neoplastic Syndromes, Hereditary. Identifiers: Orphanet 140162, MedGen C0027672, MeSH D009386, MONDO:0015356.

Allele frequency attached by ClinVar (database versions not stated): gnomAD exomes below 0.00001.
gnomAD v4.1: 3 of 1,605,444 alleles (0.00019%); highest among the groups gnomAD compares: Non-Finnish European, 0.00026%; no homozygotes.

Submission:

Ambry Genetics
Classification: Uncertain significance for Hereditary cancer-predisposing syndrome. Last evaluated: 2025-08-14. Review status: criteria provided, single submitter. Criteria: Ambry Variant Classification Scheme 2023. Collection method: clinical testing. Allele origin: germline.
Comment: The p.S77F variant (also known as c.230C>T), located in coding exon 1 of the ALK gene, results from a C to T substitution at nucleotide position 230. The serine at codon 77 is replaced by phenylalanine, an amino acid with highly dissimilar properties. This amino acid position is conserved. In addition, this alteration is predicted to be tolerated by in silico analysis. Since supporting evidence is limited at this time, the clinical significance of this alteration remains unclear.